The following is an entry in ClinVar:

ClinVar aggregate classification (germline): Uncertain significance. Review status: criteria provided, multiple submitters, no conflicts (2 of 4 stars). 3 submissions from 3 submitters: Uncertain significance (3). Last evaluated 2025-08-11.

Conditions:
Fanconi renotubular syndrome 2 (FRTS2). Identifiers: MedGen C3150652, MONDO:0013247, OMIM 613388.
Hypophosphatemic nephrolithiasis/osteoporosis 1. Identifiers: Orphanet 244305, MedGen C2676786, MONDO:0012850, OMIM 612286.
Hypercalcemia, infantile, 2 (HCINF2). Identifiers: Orphanet 300547, MedGen C4310473, MONDO:0014851, OMIM 616963.

Allele frequency attached by ClinVar (database versions not stated): gnomAD 0.00027; TOPMed 0.00029; ESP Exome Variant Server 0.00038; 1000 Genomes Project 0.00040; 1000 Genomes Project 30x 0.00062.
gnomAD v4.1: 74 of 1,614,182 alleles (0.0046%); highest among the groups gnomAD compares: African/African-American, 0.084%; no homozygotes.

Submissions (3):

GeneDx
Classification: Uncertain significance. Last evaluated: 2025-08-11. Review status: criteria provided, single submitter. Criteria: GeneDx Variant Classification Process June 2021. Collection method: clinical testing. Allele origin: germline. Affected: yes.
Comment: In silico analysis supports that this missense variant has a deleterious effect on protein structure/function; Has not been previously published as pathogenic or benign to our knowledge

Fulgent Genetics
Classification: Uncertain significance for Hypophosphatemic nephrolithiasis/osteoporosis 1; Fanconi renotubular syndrome 2; Hypercalcemia, infantile, 2. Last evaluated: 2024-05-28. Review status: criteria provided, single submitter. Criteria: ACMG Guidelines, 2015. Collection method: clinical testing. Allele origin: germline.

Labcorp Genetics (formerly Invitae), Labcorp
Classification: Uncertain significance. Last evaluated: 2023-11-12. Review status: criteria provided, single submitter. Criteria: Invitae Variant Classification Sherloc (09022015). Collection method: clinical testing. Allele origin: germline.
Comment: This sequence change replaces aspartic acid, which is acidic and polar, with tyrosine, which is neutral and polar, at codon 139 of the SLC34A1 protein (p.Asp139Tyr). This variant is present in population databases (rs147095485, gnomAD 0.1%). This variant has not been reported in the literature in individuals affected with SLC34A1-related conditions. ClinVar contains an entry for this variant (Variation ID: 2053987). Advanced modeling of protein sequence and biophysical properties (such as structural, functional, and spatial information, amino acid conservation, physicochemical variation, residue mobility, and thermodynamic stability) performed at Invitae indicates that this missense variant is not expected to disrupt SLC34A1 protein function with a negative predictive value of 80%. In summary, the available evidence is currently insufficient to determine the role of this variant in disease. Therefore, it has been classified as a Variant of Uncertain Significance.

NM_003052.5(SLC34A1):c.415G>T (p.Asp139Tyr)

Gene: SLC34A1 (solute carrier family 34 member 1; plus strand). Cytogenetic location: 5q35.3.
Variant type: single nucleotide variant.
Coding change: c.415G>T on transcript NM_003052.5 (MANE Select); coding-DNA position 415, G replaced by T.
Protein change: p.Asp139Tyr; replaces aspartic acid 139 with tyrosine.
Molecular consequence: missense variant.
Genome position (GRCh38, 1-based): chr5:177,386,449, G>T. VCF-style: chr5-177386449-G-T. GRCh37 (hg19) VCF-style: chr5-176813450-G-T.
Other names: c.415G>T (NM_003052.4); c.415G>T, p.Asp139Tyr (NM_001167579.2); short protein forms D139Y.
Identifiers: ClinVar variation 2053987 (VCV002053987.4), dbSNP rs147095485, ClinGen allele CA3580380.